The following is an entry in ClinVar:

NM_000051.4(ATM):c.5749A>T (p.Arg1917Ter)

Gene: ATM (ATM serine/threonine kinase; plus strand). Cytogenetic location: 11q22.3.
Variant type: single nucleotide variant.
Coding change: c.5749A>T on transcript NM_000051.4 (MANE Select); coding-DNA position 5749, A replaced by T.
Protein change: p.Arg1917Ter; replaces arginine 1917 with a stop codon.
Molecular consequence: nonsense.
Genome position (GRCh38, 1-based): chr11:108,307,971, A>T. VCF-style: chr11-108307971-A-T. GRCh37 (hg19) VCF-style: chr11-108178698-A-T.
Other names: c.5749A>T, p.Arg1917Ter (NM_001351834.2); short protein forms R1917*.
Identifiers: ClinVar variation 4071532 (VCV004071532.1).

ClinVar aggregate classification (germline): Pathogenic (1 of 4 stars; one submission).

Conditions:
Ataxia-telangiectasia syndrome (AT). Also called: Cerebello-oculocutaneous telangiectasia; Immunodeficiency with ataxia telangiectasia; Ataxia-telangiectasia, complementation group D; AT, COMPLEMENTATION GROUP C; ATAXIA-TELANGIECTASIA, COMPLEMENTATION GROUP A; ATAXIA-TELANGIECTASIA, FRESNO VARIANT. Identifiers: Orphanet 100, MedGen C0004135, MONDO:0008840, OMIM 208900.

Submission:

Next Generation Genetic Polyclinic
Classification: Pathogenic for Ataxia-telangiectasia syndrome. Last evaluated: 2025-04-13. Review status: criteria provided, single submitter. Criteria: ACMG Guidelines, 2015. Collection method: curation. Allele origin: germline. Affected: yes. Observed: 1 variant allele.
Comment: A pathogenic variant in the ATM gene (c.5749A>T) was identified by curation in the homozygous state. This variant is known and associated with ataxia-telangiectasia, classified as Pathogenic.

Literature cited by the submitters: PubMed 9792410.